The following is an entry in ClinVar:

ClinVar aggregate classification (germline): Uncertain significance. Review status: criteria provided, multiple submitters, no conflicts (2 of 4 stars). 2 submissions from 2 submitters: Uncertain significance (2). Last evaluated 2022-09-29.

Conditions:
Hereditary cancer-predisposing syndrome. Also called: Neoplastic Syndromes, Hereditary; Tumor predisposition; Hereditary Cancer Syndrome; Hereditary neoplastic syndrome. Identifiers: Orphanet 140162, MedGen C0027672, MeSH D009386, MONDO:0015356.
Rhabdoid tumor predisposition syndrome 2 (RTPS2). Identifiers: Orphanet 231108, Orphanet 69077, MedGen C2750074, MONDO:0013224, OMIM 613325.

Submissions (2):

Labcorp Genetics (formerly Invitae), Labcorp
Classification: Uncertain significance for Rhabdoid tumor predisposition syndrome 2. Last evaluated: 2022-09-29. Review status: criteria provided, single submitter. Criteria: Invitae Variant Classification Sherloc (09022015). Collection method: clinical testing. Allele origin: germline.
Comment: In summary, the available evidence is currently insufficient to determine the role of this variant in disease. Therefore, it has been classified as a Variant of Uncertain Significance. Advanced modeling of protein sequence and biophysical properties (such as structural, functional, and spatial information, amino acid conservation, physicochemical variation, residue mobility, and thermodynamic stability) has been performed at Invitae for this missense variant, however the output from this modeling did not meet the statistical confidence thresholds required to predict the impact of this variant on SMARCA4 protein function. This variant has not been reported in the literature in individuals affected with SMARCA4-related conditions. This variant is not present in population databases (gnomAD no frequency). This sequence change replaces glycine, which is neutral and non-polar, with valine, which is neutral and non-polar, at codon 29 of the SMARCA4 protein (p.Gly29Val).

Ambry Genetics
Classification: Uncertain significance for Hereditary cancer-predisposing syndrome. Last evaluated: 2020-09-10. Review status: criteria provided, single submitter. Criteria: Ambry Variant Classification Scheme 2023. Collection method: clinical testing. Allele origin: germline.
Comment: The p.G29V variant (also known as c.86G>T), located in coding exon 1 of the SMARCA4 gene, results from a G to T substitution at nucleotide position 86. The glycine at codon 29 is replaced by valine, an amino acid with dissimilar properties. This amino acid position is highly conserved in available vertebrate species. In addition, this alteration is predicted to be deleterious by in silico analysis. Since supporting evidence is limited at this time, the clinical significance of this alteration remains unclear.

NM_003072.5(SMARCA4):c.86G>T (p.Gly29Val)

Gene: SMARCA4 (SWI/SNF related BAF chromatin remodeling complex subunit ATPase 4; plus strand). Cytogenetic location: 19p13.2.
Variant type: single nucleotide variant.
Coding change: c.86G>T on transcript NM_003072.5 (MANE Select); coding-DNA position 86, G replaced by T.
Protein change: p.Gly29Val; replaces glycine 29 with valine.
Molecular consequence: missense variant. On other transcripts: non-coding transcript variant (1).
Genome position (GRCh38, 1-based): chr19:10,984,237, G>T. VCF-style: chr19-10984237-G-T. GRCh37 (hg19) VCF-style: chr19-11094913-G-T.
Other names: c.86G>T, p.Gly29Val (NM_001128844.3, NM_001128845.2, NM_001128846.2 and 6 more transcripts); short protein forms G29V.
Identifiers: ClinVar variation 1764363 (VCV001764363.7), dbSNP rs2145722799, ClinGen allele CA404054124.